The following is an entry in ClinVar:

NM_000169.3(GLA):c.126G>A (p.Met42Ile)

Genes: GLA (galactosidase alpha; minus strand), RPL36A-HNRNPH2 (RPL36A-HNRNPH2 readthrough; plus strand). Cytogenetic location: Xq22.1.
Variant type: single nucleotide variant.
Coding change: c.126G>A on transcript NM_000169.3 (MANE Select); coding-DNA position 126, G replaced by A.
Protein change: p.Met42Ile; replaces methionine 42 with isoleucine.
Molecular consequence: missense variant. On other transcripts: non-coding transcript variant (3), intron variant (2).
Genome position (GRCh38, 1-based): chrX:101,407,778, C>T on the plus strand (G>A on the coding strand, the complement: GLA is on the minus strand). VCF-style: chrX-101407778-C-T. GRCh37 (hg19) VCF-style: chrX-100662766-C-T.
Other names: c.126G>A, p.Met42Ile (NM_001406747.1, NM_001406748.1, NM_001406749.1); c.301-4158C>T (NM_001199973.2); c.178-4158C>T (NM_001199974.2); short protein forms M42I.
Identifiers: ClinVar variation 4087597 (VCV004087597.2).
Genomic context (GRCh38, chrX:101,407,778, plus strand): 5'-GGAATCTGGCTCTTCCTGGCAGTCAAGGTTGCACATGAAGCGCTCCCAGTGCAGCCAGCC[C>T]ATGGTAGGCGTCCTTGCCAATCCATTGTCCAGTGCTCTAGCCCCAGGGATGTCCCAGGAA-3'
Protein context (NP_000160.1, residues 32-52): LDNGLARTPT[Met42Ile]GWLHWERFMC

ClinVar aggregate classification (germline): Likely pathogenic (1 of 4 stars; one submission).

Conditions:
Fabry disease. Also called: ALPHA-GALACTOSIDASE A DEFICIENCY; ANDERSON-FABRY DISEASE; CERAMIDE TRIHEXOSIDASE DEFICIENCY; GLA DEFICIENCY; HEREDITARY DYSTOPIC LIPIDOSIS; Angiokeratoma corporis diffusum. Identifiers: Orphanet 324, MedGen C0002986, MONDO:0010526, OMIM 301500, HP:0001071. Disease mechanism: Fabry disease is due to inactivating mutations in the X-linked GLA gene resulting in deficiency of the enzyme Alpha Galactosidase-A., loss of function.

Submission:

Genomenon, Inc
Classification: Likely pathogenic for Fabry disease. Last evaluated: 2026-09-08. Review status: criteria provided, single submitter. Criteria: Genomenon Sequence Variant Interpretation Standards - Updated. Collection method: curation. Allele origin: germline. Affected: yes.
Comment: GLA p.Met42Ile (c.126G>A) is a missense variant that changes the amino acid at codon 42 from Methionine to Isoleucine. This variant has been observed in at least one proband with clinical features consistent with Fabry disease (PMID:27560961;31996269). The variant was found to segregate with disease in at least one affected family (PMID:27560961). Functional or patient cell studies have been reported (PMID:27560961;31996269). This variant is located in a mutational hotspot and/or important functional domain. It is absent or not present at a significant frequency in gnomAD. In silico models predict that this variant is possibly or probably damaging. In conclusion, we classify GLA p.Met42Ile (c.126G>A) as a likely pathogenic variant.

Literature cited by the submitters: PubMed 27560961; PubMed 31996269.